The following is an entry in ClinVar:

ClinVar aggregate classification (germline): Uncertain significance. Review status: criteria provided, multiple submitters, no conflicts (2 of 4 stars). 5 submissions from 5 submitters: Uncertain significance (5). Last evaluated 2026-07-24.

Conditions:
Immunodeficiency, common variable, 2 (CVID2). Also called: HYPOGAMMAGLOBULINEMIA DUE TO TACI DEFICIENCY; ANTIBODY DEFICIENCY DUE TO TACI DEFECT. Identifiers: Orphanet 1572, MedGen C3150354, MONDO:0009413, OMIM 240500.
Immunoglobulin A deficiency 2 (IGAD2). Identifiers: MedGen C1836032, MONDO:0012291, OMIM 609529.

Allele frequency attached by ClinVar (database versions not stated): gnomAD exomes 0.00007 and 0.00014; TOPMed 0.00008; ExAC 0.00010; gnomAD 0.00010.
gnomAD v4.1: 116 of 1,605,816 alleles (0.0072%); highest among the groups gnomAD compares: Non-Finnish European, 0.003%; no homozygotes.

Submissions (5):

GeneDx
Classification: Uncertain significance. Last evaluated: 2026-07-24. Review status: criteria provided, single submitter. Criteria: GeneDx Variant Classification Process June 2021. Collection method: clinical testing. Allele origin: germline.
Comment: Identified in the heterozygous state and with a second variant in TNFRSF13B in patients with common variable immune deficiency (PMID: 27123465, 34975878); Nonsense variant predicted to result in protein truncation as the last 58 amino acid(s) are lost; This variant is associated with the following publications: (PMID: 26284228, 25205549, 36155879, 31150062, 34441032, 34975878, 27123465)

Labcorp Genetics (formerly Invitae), Labcorp
Classification: Uncertain significance for Immunodeficiency, common variable, 2. Last evaluated: 2026-01-06. Review status: criteria provided, single submitter. Criteria: Invitae Variant Classification Sherloc (09022015). Collection method: clinical testing. Allele origin: germline.
Comment: This sequence change creates a premature translational stop signal (p.Glu236*) in the TNFRSF13B gene. While this is not anticipated to result in nonsense mediated decay, it is expected to disrupt the last 58 amino acid(s) of the TNFRSF13B protein. This variant is present in population databases (rs201021960, gnomAD 0.3%). This premature translational stop signal has been observed in individual(s) with antibody deficiency and/or common variable immune deficiency (CVID) and pancreatic cancer (PMID: 27123465, 34975878). ClinVar contains an entry for this variant (Variation ID: 538709). Studies have shown that this premature translational stop signal does not significantly alter or has an unclear effect on TNFRSF13B gene expression (PMID: 25205549). Algorithms developed to predict the effect of sequence changes on RNA splicing suggest that this variant may disrupt the consensus splice site. In summary, the available evidence is currently insufficient to determine the role of this variant in disease. Therefore, it has been classified as a Variant of Uncertain Significance.

Revvity Omics, Revvity
Classification: Uncertain significance. Last evaluated: 2022-12-27. Review status: criteria provided, single submitter. Criteria: ACMG Guidelines, 2015. Collection method: clinical testing. Allele origin: germline.

Fulgent Genetics
Classification: Uncertain significance for Immunodeficiency, common variable, 2; Immunoglobulin A deficiency 2. Last evaluated: 2022-04-14. Review status: criteria provided, single submitter. Criteria: ACMG Guidelines, 2015. Collection method: clinical testing. Allele origin: unknown.

CeGaT Center for Human Genetics Tuebingen
Classification: Uncertain significance. Last evaluated: 2020-07-01. Review status: criteria provided, single submitter. Criteria: CeGaT Center For Human Genetics Tuebingen Variant Classification Criteria Version 2. Collection method: clinical testing. Allele origin: germline. Affected: yes. Observed: 1 variant allele.

Literature cited by the submitters: PubMed 27123465 (cited by Labcorp Genetics (formerly Invitae), Labcorp); PubMed 34975878 (cited by Labcorp Genetics (formerly Invitae), Labcorp); PubMed 25205549 (cited by Labcorp Genetics (formerly Invitae), Labcorp).

NM_012452.3(TNFRSF13B):c.706G>T (p.Glu236Ter)

Gene: TNFRSF13B (TNF receptor superfamily member 13B; minus strand). Cytogenetic location: 17p11.2.
Variant type: single nucleotide variant.
Coding change: c.706G>T on transcript NM_012452.3 (MANE Select); coding-DNA position 706, G replaced by T.
Protein change: p.Glu236Ter; replaces glutamic acid 236 with a stop codon.
Molecular consequence: nonsense.
Genome position (GRCh38, 1-based): chr17:16,939,723, C>A on the plus strand (G>T on the coding strand, the complement: TNFRSF13B is on the minus strand). VCF-style: chr17-16939723-C-A. GRCh37 (hg19) VCF-style: chr17-16843037-C-A.
Other names: short protein forms E236*.
Identifiers: ClinVar variation 538709 (VCV000538709.55), dbSNP rs201021960, ClinGen allele CA8413874.